The following is an entry in ClinVar:

ClinVar aggregate classification (germline): Uncertain significance (1 of 4 stars; one submission).

Conditions:
Inborn genetic diseases. Identifiers: MedGen C0950123, MeSH D030342.

Submission:

Ambry Genetics
Classification: Uncertain significance for Inborn genetic diseases. Last evaluated: 2018-01-18. Review status: criteria provided, single submitter. Criteria: Ambry Variant Classification Scheme 2023. Collection method: clinical testing. Allele origin: germline.
Comment: The p.Y186N variant (also known as c.556T>A), located in coding exon 1 of the MID1 gene, results from a T to A substitution at nucleotide position 556. The tyrosine at codon 186 is replaced by asparagine, an amino acid with dissimilar properties. This amino acid position is highly conserved in available vertebrate species. In addition, this alteration is predicted to be deleterious by in silico analysis. Since supporting evidence is limited at this time, the clinical significance of this alteration remains unclear.

NM_000381.4(MID1):c.556T>A (p.Tyr186Asn)

Gene: MID1 (midline 1; minus strand). Cytogenetic location: Xp22.2.
Variant type: single nucleotide variant.
Coding change: c.556T>A on transcript NM_000381.4 (MANE Select); coding-DNA position 556, T replaced by A.
Protein change: p.Tyr186Asn; replaces tyrosine 186 with asparagine.
Molecular consequence: missense variant. On other transcripts: intron variant (2).
Genome position (GRCh38, 1-based): chrX:10,566,992, A>T on the plus strand (T>A on the coding strand, the complement: MID1 is on the minus strand). VCF-style: chrX-10566992-A-T. GRCh37 (hg19) VCF-style: chrX-10535032-A-T.
Other names: c.556T>A, p.Tyr186Asn (NM_001098624.2, NM_001193277.1, NM_001193278.1 and 3 more transcripts); c.546+10T>A (NM_033289.2, NM_001193280.1); short protein forms Y186N.
Identifiers: ClinVar variation 1748368 (VCV001748368.2), dbSNP rs2519200190, ClinGen allele CA412048076.